The following is an entry in ClinVar:

NM_021813.4(BACH2):c.1348G>T (p.Gly450Trp)

Gene: BACH2 (BACH transcriptional regulator 2; minus strand). Cytogenetic location: 6q15.
Variant type: single nucleotide variant.
Coding change: c.1348G>T on transcript NM_021813.4 (MANE Select); coding-DNA position 1348, G replaced by T.
Protein change: p.Gly450Trp; replaces glycine 450 with tryptophan.
Molecular consequence: missense variant.
Genome position (GRCh38, 1-based): chr6:89,950,758, C>A on the plus strand (G>T on the coding strand, the complement: BACH2 is on the minus strand). VCF-style: chr6-89950758-C-A. GRCh37 (hg19) VCF-style: chr6-90660477-C-A.
Other names: c.1348G>T, p.Gly450Trp (NM_001170794.2); short protein forms G450W.
Identifiers: ClinVar variation 2978153 (VCV002978153.3), dbSNP rs749150426, ClinGen allele CA143342171.

ClinVar aggregate classification (germline): Uncertain significance (1 of 4 stars; one submission).

gnomAD v4.1: 1 of 1,614,144 alleles (0.000062%); highest among the groups gnomAD compares: Admixed American, 0.0017%; no homozygotes.

Submission:

Labcorp Genetics (formerly Invitae), Labcorp
Classification: Uncertain significance. Last evaluated: 2023-05-29. Review status: criteria provided, single submitter. Criteria: Invitae Variant Classification Sherloc (09022015). Collection method: clinical testing. Allele origin: germline.
Comment: This sequence change replaces glycine, which is neutral and non-polar, with tryptophan, which is neutral and slightly polar, at codon 450 of the BACH2 protein (p.Gly450Trp). This variant is not present in population databases (gnomAD no frequency). This variant has not been reported in the literature in individuals affected with BACH2-related conditions. Advanced modeling of protein sequence and biophysical properties (such as structural, functional, and spatial information, amino acid conservation, physicochemical variation, residue mobility, and thermodynamic stability) performed at Invitae indicates that this missense variant is not expected to disrupt BACH2 protein function. In summary, the available evidence is currently insufficient to determine the role of this variant in disease. Therefore, it has been classified as a Variant of Uncertain Significance.